The following is an entry in ClinVar:

NM_002335.4(LRP5):c.47_75del (p.Leu16fs)

Gene: LRP5 (LDL receptor related protein 5; plus strand). Cytogenetic location: 11q13.2.
Variant type: Deletion.
Coding change: c.47_75del on transcript NM_002335.4 (MANE Select); coding-DNA positions 47 to 75, 29 bases deleted (TGCTGCTGCTGCTGGCGCTGTGCGGCTGC).
Protein change: p.Leu16fs; shifts the reading frame from leucine 16.
Molecular consequence: frameshift variant. On other transcripts: 5 prime UTR variant (1).
Genome position (GRCh38, 1-based): chr11:68,312,761-68,312,789, TGCTGCTGCTGCTGGCGCTGTGCGGCTGC deleted; deleting any 29 consecutive bases within chr11:68,312,756-68,312,789 gives the same sequence; the c. name uses the placement nearest the transcript's 3' end. VCF-style (leftmost placement, unchanged base first): chr11-68312755-TGCTGCTGCTGCTGCTGCTGGCGCTGTGCG-T. GRCh37 (hg19) VCF-style: chr11-68080223-TGCTGCTGCTGCTGCTGCTGGCGCTGTGCG-T.
Other names: c.-1719_-1691del (NM_001291902.2); short protein forms L16fs.
Identifiers: ClinVar variation 2109410 (VCV002109410.4), dbSNP rs2496191614, ClinGen allele CA2580084681.

ClinVar aggregate classification (germline): Pathogenic (1 of 4 stars; one submission).

Submission:

Labcorp Genetics (formerly Invitae), Labcorp
Classification: Pathogenic. Last evaluated: 2022-03-11. Review status: criteria provided, single submitter. Criteria: Invitae Variant Classification Sherloc (09022015). Collection method: clinical testing. Allele origin: germline.
Comment: This sequence change creates a premature translational stop signal (p.Leu16Profs*126) in the LRP5 gene. It is expected to result in an absent or disrupted protein product. Loss-of-function variants in LRP5 are known to be pathogenic (PMID: 11719191, 16252235, 25711638). For these reasons, this variant has been classified as Pathogenic. This variant has not been reported in the literature in individuals affected with LRP5-related conditions. This variant is not present in population databases (gnomAD no frequency).

Literature cited by the submitters: PubMed 11719191; PubMed 16252235; PubMed 25711638.